The following is an entry in ClinVar:

NM_002230.4(JUP):c.2203C>T (p.Pro735Ser)

Gene: JUP (junction plakoglobin; minus strand). Cytogenetic location: 17q21.2.
Variant type: single nucleotide variant.
Coding change: c.2203C>T on transcript NM_002230.4 (MANE Select); coding-DNA position 2203, C replaced by T.
Protein change: p.Pro735Ser; replaces proline 735 with serine.
Molecular consequence: missense variant.
Genome position (GRCh38, 1-based): chr17:41,755,779, G>A on the plus strand (C>T on the coding strand, the complement: JUP is on the minus strand). VCF-style: chr17-41755779-G-A. GRCh37 (hg19) VCF-style: chr17-39912031-G-A.
Other names: c.2203C>T, p.Pro735Ser (NM_001352773.2, NM_001352774.2, NM_001352775.2 and 3 more transcripts); short protein forms P735S.
Identifiers: ClinVar variation 1915991 (VCV001915991.5), dbSNP rs1469855194, ClinGen allele CA399490325.
Genomic context (GRCh38, chr17:41,755,779, plus strand): 5'-GGGGGCCGTACTGGGGCCAGGCCGCCTAGGCCAGCATGTGGTCTGCAGTGGGGTACGGGG[G>A]CCTGAGGCCGTCGCTGTAGGTGTCGATGGGGTAGTCTCCATCCATGTCCATGTGCATCTC-3'
Protein context (NP_002221.1, residues 725-745): PIDTYSDGLR[Pro735Ser]PYPTADHMLA

ClinVar aggregate classification (germline): Uncertain significance (1 of 4 stars; one submission).

Conditions:
Naxos disease (NXD). Also called: WOOLLY HAIR, PALMOPLANTAR KERATODERMA, AND CARDIAC ABNORMALITIES; KERATOSIS PALMOPLANTARIS WITH ARRHYTHMOGENIC CARDIOMYOPATHY; MAL DE NAXOS; PALMOPLANTAR KERATODERMA WITH ARRHYTHMOGENIC RIGHT VENTRICULAR CARDIOMYOPATHY AND WOOLLY HAIR; CARDIOMYOPATHY, ARRHYTHMOGENIC RIGHT VENTRICULAR, WITH SKIN, HAIR, AND NAIL ABNORMALITIES. Identifiers: Orphanet 34217, MedGen C1832600, MONDO:0011017, OMIM 601214.
Arrhythmogenic right ventricular dysplasia 12. Also called: ARRHYTHMOGENIC RIGHT VENTRICULAR DYSPLASIA, FAMILIAL, 12. Identifiers: MedGen C1969081, MONDO:0012684, OMIM 611528.

Allele frequency attached by ClinVar (database versions not stated): gnomAD exomes below 0.00001.

Submission:

Labcorp Genetics (formerly Invitae), Labcorp
Classification: Uncertain significance for Arrhythmogenic right ventricular dysplasia 12; Naxos disease. Last evaluated: 2022-09-03. Review status: criteria provided, single submitter. Criteria: Invitae Variant Classification Sherloc (09022015). Collection method: clinical testing. Allele origin: germline.
Comment: In summary, the available evidence is currently insufficient to determine the role of this variant in disease. Therefore, it has been classified as a Variant of Uncertain Significance. Algorithms developed to predict the effect of sequence changes on RNA splicing suggest that this variant may create or strengthen a splice site. Algorithms developed to predict the effect of missense changes on protein structure and function (SIFT, PolyPhen-2, Align-GVGD) all suggest that this variant is likely to be tolerated. This variant has not been reported in the literature in individuals affected with JUP-related conditions. This variant is not present in population databases (gnomAD no frequency). This sequence change replaces proline, which is neutral and non-polar, with serine, which is neutral and polar, at codon 735 of the JUP protein (p.Pro735Ser).